The following is an entry in ClinVar:

NM_144666.3(DNHD1):c.1324G>A (p.Glu442Lys)

Gene: DNHD1 (dynein heavy chain domain 1; plus strand). Cytogenetic location: 11p15.4.
Variant type: single nucleotide variant.
Coding change: c.1324G>A on transcript NM_144666.3 (MANE Select); coding-DNA position 1324, G replaced by A.
Protein change: p.Glu442Lys; replaces glutamic acid 442 with lysine.
Molecular consequence: missense variant.
Genome position (GRCh38, 1-based): chr11:6,511,361, G>A. VCF-style: chr11-6511361-G-A. GRCh37 (hg19) VCF-style: chr11-6532591-G-A.
Other names: c.1324G>A, p.Glu442Lys (NM_173589.4); short protein forms E442K.
Identifiers: ClinVar variation 3064044 (VCV003064044.4), dbSNP rs375892626, ClinGen allele CA5855553.

ClinVar aggregate classification (germline): Conflicting classifications of pathogenicity. Review status: criteria provided, conflicting classifications (1 of 4 stars). 2 submissions from 2 submitters: Uncertain significance (1); Likely benign (1). Last evaluated 2024-02-12.

Allele frequency attached by ClinVar (database versions not stated): gnomAD 0.00001.
gnomAD v4.1: 23 of 1,614,102 alleles (0.0014%); highest among the groups gnomAD compares: South Asian, 0.015%; no homozygotes.

Submissions (2):

Ambry Genetics
Classification: Likely benign. Last evaluated: 2024-02-12. Review status: criteria provided, single submitter. Criteria: Ambry Variant Classification Scheme 2023. Collection method: clinical testing. Allele origin: germline.

GeneDx
Classification: Uncertain significance. Last evaluated: 2022-01-11. Review status: criteria provided, single submitter. Criteria: GeneDx Variant Classification Process June 2021. Collection method: clinical testing. Allele origin: germline. Affected: yes.
Comment: In silico analysis supports that this missense variant does not alter protein structure/function; Has not been previously published as pathogenic or benign to our knowledge; Variants in candidate genes are classified as variants of uncertain significance in accordance with ACMG guidelines (Richards et al., 2015)